The following is an entry in ClinVar:

ClinVar aggregate classification (germline): Uncertain significance (1 of 4 stars; one submission).

Conditions:
3-methylglutaconic aciduria, type VIIB (MGCA7B). Also called: CLPB Deficiency; 3-methylglutaconic aciduria, type VII, with cataracts, neurologic involvement and neutropenia; 3-methylglutaconic aciduria with cataracts, neurologic involvement and neutropenia. Identifiers: Orphanet 445038, MedGen C5676893, MONDO:0014561, OMIM 616271.

Submission:

Labcorp Genetics (formerly Invitae), Labcorp
Classification: Uncertain significance for 3-methylglutaconic aciduria, type VIIB. Last evaluated: 2023-11-27. Review status: criteria provided, single submitter. Criteria: Invitae Variant Classification Sherloc (09022015). Collection method: clinical testing. Allele origin: germline.
Comment: This sequence change replaces valine, which is neutral and non-polar, with glutamic acid, which is acidic and polar, at codon 6 of the CLPB protein (p.Val6Glu). This variant is not present in population databases (gnomAD no frequency). This variant has not been reported in the literature in individuals affected with CLPB-related conditions. ClinVar contains an entry for this variant (Variation ID: 2116266). Experimental studies and prediction algorithms are not available or were not evaluated, and the functional significance of this variant is currently unknown. In summary, the available evidence is currently insufficient to determine the role of this variant in disease. Therefore, it has been classified as a Variant of Uncertain Significance.

NM_001258392.3(CLPB):c.17T>A (p.Val6Glu)

Genes: CLPB (ClpB family mitochondrial disaggregase; minus strand), LOC130006336 (ATAC-STARR-seq lymphoblastoid active region 5191; plus strand). Cytogenetic location: 11q13.4.
Variant type: single nucleotide variant.
Coding change: c.17T>A on transcript NM_001258392.3 (MANE Select); coding-DNA position 17, T replaced by A.
Protein change: p.Val6Glu; replaces valine 6 with glutamic acid.
Molecular consequence: missense variant. On other transcripts: 5 prime UTR variant (1).
Genome position (GRCh38, 1-based): chr11:72,434,458, A>T on the plus strand (T>A on the coding strand, the complement: CLPB is on the minus strand). VCF-style: chr11-72434458-A-T. GRCh37 (hg19) VCF-style: chr11-72145502-A-T.
Other names: c.17T>A, p.Val6Glu (NM_001258393.3, NM_030813.6); c.-226T>A (NM_001258394.3); short protein forms V6E.
Identifiers: ClinVar variation 2116266 (VCV002116266.4), dbSNP rs2496017852, ClinGen allele CA381964209.